The following is an entry in ClinVar:

NM_002637.4(PHKA1):c.381T>C (p.Asp127=)

Genes: PHKA1 (phosphorylase kinase regulatory subunit alpha 1; minus strand), PHKA1-AS1 (PHKA1 antisense RNA 1; plus strand). Cytogenetic location: Xq13.1.
Variant type: single nucleotide variant.
Coding change: c.381T>C on transcript NM_002637.4 (MANE Select); coding-DNA position 381, T replaced by C.
Protein change: p.Asp127=; no amino-acid change (aspartic acid 127 retained).
Molecular consequence: synonymous variant.
Genome position (GRCh38, 1-based): chrX:72,695,781, A>G on the plus strand (T>C on the coding strand, the complement: PHKA1 is on the minus strand). VCF-style: chrX-72695781-A-G. GRCh37 (hg19) VCF-style: chrX-71915631-A-G.
Other names: c.381T>C (NM_002637.3); c.381T>C, p.Asp127= (NM_001122670.2, NM_001172436.2).
Identifiers: ClinVar variation 2414106 (VCV002414106.10), dbSNP rs781912629, ClinGen allele CA10451074.
Genomic context (GRCh38, chrX:72,695,781, plus strand): 5'-TTGGGCTAAGAAGAGCAGGTACACAGAGGTAGCATCCAACTGCAGGTGTCCCCATTGATC[A>G]TCACCCACTACAGTGGCACAGGTTTTGGTGTTGTACTTTGCATGGAGGCTATCCTTAGTA-3'
Protein context (NP_002628.2, residues 117-137): NTKTCATVVG[Asp127=]DQWGHLQLDA

ClinVar aggregate classification (germline): Benign/Likely benign. Review status: criteria provided, multiple submitters, no conflicts (2 of 4 stars). 2 submissions from 2 submitters: Benign (1); Likely benign (1). Last evaluated 2026-01-14.

Conditions:
Glycogen storage disease IXd (GSD9D). Also called: GSD IXd; Muscle Phosphorylase Kinase Deficiency. Identifiers: Orphanet 715, MedGen C1845151, MONDO:0010362, OMIM 300559.
PHKA1-related disorder. Also called: PHKA1-related condition.

Allele frequency attached by ClinVar (database versions not stated): TOPMed 0.00001; gnomAD 0.00005; ExAC 0.00013.

Submissions (2):

Labcorp Genetics (formerly Invitae), Labcorp
Classification: Benign for Glycogen storage disease IXd. Last evaluated: 2026-01-14. Review status: criteria provided, single submitter. Criteria: Invitae Variant Classification Sherloc (09022015). Collection method: clinical testing. Allele origin: germline.

PreventionGenetics, part of Exact Sciences
Classification: Likely benign for PHKA1-related condition. Last evaluated: 2025-09-18. Review status: criteria provided, single submitter. Criteria: ACMG Guidelines, 2015. Collection method: clinical testing. Allele origin: germline.
Comment: This variant is classified as likely benign based on ACMG/AMP sequence variant interpretation guidelines (Richards et al. 2015 PMID: 25741868, with internal and published modifications).